The following is an entry in ClinVar:

ClinVar aggregate classification (germline): Uncertain significance (1 of 4 stars; one submission).

Conditions:
Baller-Gerold syndrome (BGS). Also called: CRANIOSYNOSTOSIS WITH RADIAL DEFECTS. Identifiers: Orphanet 1225, MedGen C0265308, MONDO:0009039, OMIM 218600.

Submission:

Labcorp Genetics (formerly Invitae), Labcorp
Classification: Uncertain significance for Baller-Gerold syndrome. Last evaluated: 2020-03-09. Review status: criteria provided, single submitter. Criteria: Invitae Variant Classification Sherloc (09022015). Collection method: clinical testing. Allele origin: germline.
Comment: This sequence change replaces isoleucine with methionine at codon 221 of the RECQL4 protein (p.Ile221Met). The isoleucine residue is weakly conserved and there is a small physicochemical difference between isoleucine and methionine. This variant is not present in population databases (ExAC no frequency). This variant has not been reported in the literature in individuals with RECQL4-related conditions. In summary, the available evidence is currently insufficient to determine the role of this variant in disease. Therefore, it has been classified as a Variant of Uncertain Significance. Experimental studies and prediction algorithms are not available or were not evaluated, and the functional significance of this variant is currently unknown.

NM_004260.4(RECQL4):c.663C>G (p.Ile221Met)

Gene: RECQL4 (RecQ like helicase 4; minus strand). Cytogenetic location: 8q24.3.
Variant type: single nucleotide variant.
Coding change: c.663C>G on transcript NM_004260.4 (MANE Select); coding-DNA position 663, C replaced by G.
Protein change: p.Ile221Met; replaces isoleucine 221 with methionine.
Molecular consequence: missense variant.
Genome position (GRCh38, 1-based): chr8:144,516,456, G>C on the plus strand (C>G on the coding strand, the complement: RECQL4 is on the minus strand). VCF-style: chr8-144516456-G-C. GRCh37 (hg19) VCF-style: chr8-145741840-G-C.
Other names: short protein forms I221M.
Identifiers: ClinVar variation 1002479 (VCV001002479.3), dbSNP rs367960606, ClinGen allele CA372689830.